The following is an entry in ClinVar:

ClinVar aggregate classification (germline): Pathogenic. Review status: criteria provided, multiple submitters, no conflicts (2 of 4 stars). 6 submissions from 6 submitters: Pathogenic (6). Last evaluated 2025-05-06.

Conditions:
Neurofibromatosis, type 1 (NF1). Also called: NEUROFIBROMATOSIS, TYPE I, SOMATIC; VON RECKLINGHAUSEN DISEASE; Neurofibromatosis, type I; Peripheral type neurofibromatosis. Identifiers: Orphanet 636, MedGen C0027831, MONDO:0018975, OMIM 162200. Disease mechanism: loss of function.
Juvenile myelomonocytic leukemia (JMML). Also called: LEUKEMIA, JUVENILE MYELOMONOCYTIC, SOMATIC. Identifiers: Orphanet 86834, MedGen C0349639, MONDO:0011908, OMIM 607785, HP:0012209.
Café-au-lait macules with pulmonary stenosis (WTSN). Also called: PULMONIC STENOSIS WITH CAFE-AU-LAIT SPOTS. Identifiers: MedGen C0553586, MONDO:0008672, OMIM 193520.
Neurofibromatosis-Noonan syndrome (NFNS). Also called: NEUROFIBROMATOSIS WITH NOONAN PHENOTYPE. Identifiers: Orphanet 638, MedGen C2931482, MONDO:0011035, OMIM 601321. Disease mechanism: loss of function.
Neurofibromatosis, familial spinal (FSNF). Identifiers: Orphanet 636, MedGen C1834235, MONDO:0008078, OMIM 162210. Disease mechanism: loss of function.

Allele frequency attached by ClinVar (database versions not stated): ExAC 0.00001.

Submissions (6):

Labcorp Genetics (formerly Invitae), Labcorp
Classification: Pathogenic for Neurofibromatosis, type 1. Last evaluated: 2025-05-06. Review status: criteria provided, single submitter. Criteria: Invitae Variant Classification Sherloc (09022015). Collection method: clinical testing. Allele origin: germline.
Comment: This sequence change creates a premature translational stop signal (p.Gln83*) in the NF1 gene. It is expected to result in an absent or disrupted protein product. Loss-of-function variants in NF1 are known to be pathogenic (PMID: 10712197, 23913538). This variant is not present in population databases (gnomAD no frequency). This premature translational stop signal has been observed in individual(s) with NF1-related conditions (PMID: 10543400, 10862084, 16283621, 24232412; internal data). Invitae Evidence Modeling of clinical and family history, age, sex, and reported ancestry of multiple individuals with this NF1 variant has been performed. This variant is expected to be pathogenic with a positive predictive value of at least 99%. This is a validated machine learning model that incorporates the clinical features of 1,785,918 individuals referred to our laboratory for NF1 testing. ClinVar contains an entry for this variant (Variation ID: 642883). Algorithms developed to predict the effect of sequence changes on RNA splicing suggest that this variant may disrupt the consensus splice site. For these reasons, this variant has been classified as Pathogenic.

Women's Health and Genetics/Laboratory Corporation of America, LabCorp
Classification: Pathogenic for Neurofibromatosis, type 1. Last evaluated: 2025-01-06. Review status: criteria provided, single submitter. Criteria: LabCorp Variant Classification Summary - May 2015. Collection method: clinical testing. Allele origin: germline.
Comment: Variant summary: NF1 c.247C>T (p.Gln83X) results in a premature termination codon, predicted to cause a truncation of the encoded protein or absence of the protein due to nonsense mediated decay, which are commonly known mechanisms for disease. The frequency data for this variant in gnomAD is considered unreliable, as metrics indicate poor data quality at this position. c.247C>T has been reported in the literature in individuals affected with Neurofibromatosis Type 1 (e.g. Osborne_1999). To our knowledge, no experimental evidence demonstrating an impact on protein function has been reported. The following publication have been ascertained in the context of this evaluation (PMID: 10543400). ClinVar contains an entry for this variant (Variation ID: 642883). Based on the evidence outlined above, the variant was classified as pathogenic.

GeneDx
Classification: Pathogenic. Last evaluated: 2022-06-17. Review status: criteria provided, single submitter. Criteria: GeneDx Variant Classification Process June 2021. Collection method: clinical testing. Allele origin: germline. Affected: yes.
Comment: Nonsense variant predicted to result in protein truncation or nonsense mediated decay in a gene for which loss-of-function is a known mechanism of disease; Not observed at significant frequency in large population cohorts (gnomAD); This variant is associated with the following publications: (PMID: 14556247, 16283621, 24232412, 10543400, 26740943, 31766501, 10862084)

Genome-Nilou Lab
Classification: Pathogenic for Neurofibromatosis, type 1. Last evaluated: 2022-03-15. Review status: criteria provided, single submitter. Criteria: ACMG Guidelines, 2015. Collection method: clinical testing. Allele origin: germline. Affected: no.

Genome Diagnostics Laboratory, The Hospital for Sick Children
Classification: Pathogenic for Neurofibromatosis, type 1. Last evaluated: 2020-10-26. Review status: criteria provided, single submitter. Criteria: ACMG Guidelines, 2015. Collection method: clinical testing. Allele origin: germline. Affected: yes.

Juno Genomics, Hangzhou Juno Genomics, Inc
Classification: Pathogenic for Juvenile myelomonocytic leukemia; Neurofibromatosis, familial spinal; Neurofibromatosis, type 1; Neurofibromatosis-Noonan syndrome; Café-au-lait macules with pulmonary stenosis. Review status: criteria provided, single submitter. Criteria: ACMG Guidelines, 2015. Collection method: clinical testing. Allele origin: germline. Affected: yes.
Comment: Null variant in a gene where loss of function (LOF) is a known mechanism of disease.;Absent from controls (or at extremely low frequency if recessive) in Genome Aggregation Database, Exome Sequencing Project, 1000 Genomes Project, or Exome Aggregation Consortium.;De novo (both maternity and paternity confirmed) in a patient with the disease and no family history.;The prevalence of the variant in affected individuals is significantly increased compared to the prevalence in controls.

Literature cited by the submitters: PubMed 10712197 (cited by Labcorp Genetics (formerly Invitae), Labcorp); PubMed 23913538 (cited by Labcorp Genetics (formerly Invitae), Labcorp); PubMed 10543400 (cited by Labcorp Genetics (formerly Invitae), Labcorp and Women's Health and Genetics/Laboratory Corporation of America, LabCorp); PubMed 10862084 (cited by Labcorp Genetics (formerly Invitae), Labcorp); PubMed 16283621 (cited by Labcorp Genetics (formerly Invitae), Labcorp); PubMed 24232412 (cited by Labcorp Genetics (formerly Invitae), Labcorp).

NM_001042492.3(NF1):c.247C>T (p.Gln83Ter)

Gene: NF1 (neurofibromin 1; plus strand). Cytogenetic location: 17q11.2.
Variant type: single nucleotide variant.
Coding change: c.247C>T on transcript NM_001042492.3 (MANE Select); coding-DNA position 247, C replaced by T.
Protein change: p.Gln83Ter; replaces glutamine 83 with a stop codon.
Molecular consequence: nonsense.
Genome position (GRCh38, 1-based): chr17:31,159,052, C>T. VCF-style: chr17-31159052-C-T. GRCh37 (hg19) VCF-style: chr17-29486070-C-T.
Other names: c.247C>T, p.Gln83Ter (NM_000267.4, NM_001128147.3); short protein forms Q83*.
Identifiers: ClinVar variation 642883 (VCV000642883.18), dbSNP rs746824139, ClinGen allele CA8485509.